The following is an entry in ClinVar:

NM_002637.4(PHKA1):c.1658G>A (p.Arg553His)

Gene: PHKA1 (phosphorylase kinase regulatory subunit alpha 1; minus strand). Cytogenetic location: Xq13.1.
Variant type: single nucleotide variant.
Coding change: c.1658G>A on transcript NM_002637.4 (MANE Select); coding-DNA position 1658, G replaced by A.
Protein change: p.Arg553His; replaces arginine 553 with histidine.
Molecular consequence: missense variant.
Genome position (GRCh38, 1-based): chrX:72,635,211, C>T on the plus strand (G>A on the coding strand, the complement: PHKA1 is on the minus strand). VCF-style: chrX-72635211-C-T. GRCh37 (hg19) VCF-style: chrX-71855061-C-T.
Other names: c.1658G>A, p.Arg553His (NM_001122670.2, NM_001172436.2); short protein forms R553H.
Identifiers: ClinVar variation 515608 (VCV000515608.1), dbSNP rs782716142, ClinGen allele CA10450839.

ClinVar aggregate classification (germline): Likely benign (1 of 4 stars; one submission).

Allele frequency attached by ClinVar (database versions not stated): gnomAD exomes 0.00001 and 0.00002; ExAC 0.00002; TOPMed 0.00003; gnomAD 0.00005.
gnomAD v4.1: 27 of 1,209,730 alleles (0.0022%); highest among the groups gnomAD compares: Middle Eastern, 0.023%; no homozygotes.

Submission:

GeneDx
Classification: Likely benign. Last evaluated: 2018-02-22. Review status: criteria provided, single submitter. Criteria: GeneDx Variant Classification (06012015). Collection method: clinical testing. Allele origin: germline. Affected: yes.
Comment: This variant is considered likely benign or benign based on one or more of the following criteria: it is a conservative change, it occurs at a poorly conserved position in the protein, it is predicted to be benign by multiple in silico algorithms, and/or has population frequency not consistent with disease.